The following is an entry in ClinVar:

ClinVar aggregate classification (germline): Pathogenic (1 of 4 stars; one submission).

Submission:

Labcorp Genetics (formerly Invitae), Labcorp
Classification: Pathogenic. Last evaluated: 2025-06-18. Review status: criteria provided, single submitter. Criteria: Invitae Variant Classification Sherloc (09022015). Collection method: clinical testing. Allele origin: germline.
Comment: This sequence change affects an acceptor splice site in intron 9 of the ABCA4 gene. It is expected to disrupt RNA splicing. Variants that disrupt the donor or acceptor splice site typically lead to a loss of protein function (PMID: 16199547), and loss-of-function variants in ABCA4 are known to be pathogenic (PMID: 10958761, 24938718, 25312043, 26780318). This variant is not present in population databases (gnomAD no frequency). Disruption of this splice site has been observed in individual(s) with clinical features of ABCA4-related conditions (PMID: 21911583, 35120629; internal data). Algorithms developed to predict the effect of sequence changes on RNA splicing suggest that this variant may disrupt the consensus splice site. For these reasons, this variant has been classified as Pathogenic.

Literature cited by the submitters: PubMed 16199547; PubMed 10958761; PubMed 24938718; PubMed 25312043; PubMed 26780318; PubMed 21911583; PubMed 35120629.

NM_000350.3(ABCA4):c.1240-2A>G

Gene: ABCA4 (ATP binding cassette subfamily A member 4; minus strand). Cytogenetic location: 1p22.1.
Variant type: single nucleotide variant.
Coding change: c.1240-2A>G on transcript NM_000350.3 (MANE Select); the canonical splice acceptor site of the intron before coding-DNA position 1240, A replaced by G.
Molecular consequence: splice acceptor variant.
Genome position (GRCh38, 1-based): chr1:94,078,708, T>C on the plus strand (A>G on the coding strand, the complement: ABCA4 is on the minus strand). VCF-style: chr1-94078708-T-C. GRCh37 (hg19) VCF-style: chr1-94544264-T-C.
Other names: c.1240-2A>G (NM_001425324.1).
Identifiers: ClinVar variation 4746865 (VCV004746865.1).